The following is an entry in ClinVar:

NM_000542.5(SFTPB):c.869G>A (p.Gly290Glu)

Gene: SFTPB (surfactant protein B; minus strand). Cytogenetic location: 2p11.2.
Variant type: single nucleotide variant.
Coding change: c.869G>A on transcript NM_000542.5 (MANE Select); coding-DNA position 869, G replaced by A.
Protein change: p.Gly290Glu; replaces glycine 290 with glutamic acid.
Molecular consequence: missense variant.
Genome position (GRCh38, 1-based): chr2:85,663,479, C>T on the plus strand (G>A on the coding strand, the complement: SFTPB is on the minus strand). VCF-style: chr2-85663479-C-T. GRCh37 (hg19) VCF-style: chr2-85890602-C-T.
Other names: c.869G>A, p.Gly290Glu (NM_001367281.2, NM_198843.4); short protein forms G290E.
Identifiers: ClinVar variation 1307132 (VCV001307132.9), dbSNP rs45504597, ClinGen allele CA1743872.

ClinVar aggregate classification (germline): Conflicting classifications of pathogenicity. Review status: criteria provided, conflicting classifications (1 of 4 stars). 4 submissions from 4 submitters: Uncertain significance (2); Likely benign (2). Last evaluated 2025-10-01.

Conditions:
Hereditary pulmonary alveolar proteinosis. Also called: Pulmonary surfactant metabolism dysfunction. Identifiers: Orphanet 264675, MedGen C3711368, MONDO:0012580.

Allele frequency attached by ClinVar (database versions not stated): 1000 Genomes Project 0.00040; gnomAD 0.00089 and 0.00098; 1000 Genomes Project 30x 0.00094; TOPMed 0.00101; ESP Exome Variant Server 0.00154.
gnomAD v4.1: 238 of 1,613,896 alleles (0.015%); highest among the groups gnomAD compares: African/African-American, 0.28%; no homozygotes.

Submissions (4):

Labcorp Genetics (formerly Invitae), Labcorp
Classification: Likely benign. Last evaluated: 2025-10-01. Review status: criteria provided, single submitter. Criteria: Invitae Variant Classification Sherloc (09022015). Collection method: clinical testing. Allele origin: germline.

GeneDx
Classification: Uncertain significance. Last evaluated: 2019-07-11. Review status: criteria provided, single submitter. Criteria: GeneDx Variant Classification Process June 2021. Collection method: clinical testing. Allele origin: germline. Affected: yes.
Comment: In silico analysis, which includes protein predictors and evolutionary conservation, supports that this variant does not alter protein structure/function; Has not been previously published as pathogenic or benign to our knowledge

Ambry Genetics
Classification: Likely benign for Hereditary pulmonary alveolar proteinosis. Last evaluated: 2017-11-02. Review status: criteria provided, single submitter. Criteria: Ambry Variant Classification Scheme 2023. Collection method: clinical testing. Allele origin: germline.

Breakthrough Genomics
Classification: Uncertain significance. Review status: criteria provided, single submitter. Criteria: ACMG Guidelines, 2015. Collection method: not provided. Allele origin: germline. Inheritance: Autosomal recessive inheritance. Affected: yes.